The following is an entry in ClinVar:

NM_004393.6(DAG1):c.1370G>A (p.Arg457Gln)

Gene: DAG1 (dystroglycan 1; plus strand). Cytogenetic location: 3p21.31.
Variant type: single nucleotide variant.
Coding change: c.1370G>A on transcript NM_004393.6 (MANE Select); coding-DNA position 1370, G replaced by A.
Protein change: p.Arg457Gln; replaces arginine 457 with glutamine.
Molecular consequence: missense variant.
Genome position (GRCh38, 1-based): chr3:49,531,881, G>A. VCF-style: chr3-49531881-G-A. GRCh37 (hg19) VCF-style: chr3-49569314-G-A.
Other names: c.1370G>A, p.Arg457Gln (NM_001165928.4, NM_001177634.3, NM_001177635.3 and 9 more transcripts); c.1370G>A (NM_004393.4); short protein forms R457Q.
Identifiers: ClinVar variation 286606 (VCV000286606.12), dbSNP rs756890406, ClinGen allele CA2399069.

ClinVar aggregate classification (germline): Uncertain significance. Review status: criteria provided, multiple submitters, no conflicts (2 of 4 stars). 4 submissions from 4 submitters: Uncertain significance (4). Last evaluated 2023-03-20.

Conditions:
Autosomal recessive limb-girdle muscular dystrophy type 2P. Also called: MUSCULAR DYSTROPHY, LIMB-GIRDLE, TYPE 2P; MUSCULAR DYSTROPHY-DYSTROGLYCANOPATHY, LIMB-GIRDLE, DAG1-RELATED; Limb-Girdle Muscular Dystrophy Type 9C. Identifiers: Orphanet 280333, MedGen C4511963, MONDO:0013440, OMIM 613818.
Muscular dystrophy-dystroglycanopathy (congenital with brain and eye anomalies), type A9. Also called: WALKER-WARBURG SYNDROME OR MUSCLE-EYE BRAIN DISEASE, DAG1-RELATED; Muscular dystrophy-dystroglycanopathy (congenital with brain and eye anomalies), type a, 9. Identifiers: Orphanet 370997, Orphanet 899, MedGen C4225291, MONDO:0014683, OMIM 616538.

Allele frequency attached by ClinVar (database versions not stated): TOPMed 0.00003; ExAC 0.00004; gnomAD 0.00004.

Submissions (4):

Athena Diagnostics
Classification: Uncertain significance. Last evaluated: 2023-03-20. Review status: criteria provided, single submitter. Criteria: Athena Diagnostics Criteria. Collection method: clinical testing. Allele origin: unknown.
Comment: Available data are insufficient to determine the clinical significance of the variant at this time. The frequency of this variant in the general population is uninformative in assessment of its pathogenicity. Computational tools predict that this variant is not damaging.

Revvity Omics, Revvity
Classification: Uncertain significance. Last evaluated: 2023-03-15. Review status: criteria provided, single submitter. Criteria: ACMG Guidelines, 2015. Collection method: clinical testing. Allele origin: germline.

Labcorp Genetics (formerly Invitae), Labcorp
Classification: Uncertain significance for Autosomal recessive limb-girdle muscular dystrophy type 2P; Muscular dystrophy-dystroglycanopathy (congenital with brain and eye anomalies), type A9. Last evaluated: 2022-03-15. Review status: criteria provided, single submitter. Criteria: Invitae Variant Classification Sherloc (09022015). Collection method: clinical testing. Allele origin: germline.
Comment: This sequence change replaces arginine, which is basic and polar, with glutamine, which is neutral and polar, at codon 457 of the DAG1 protein (p.Arg457Gln). This variant is present in population databases (rs756890406, gnomAD 0.004%). This variant has not been reported in the literature in individuals affected with DAG1-related conditions. ClinVar contains an entry for this variant (Variation ID: 286606). Algorithms developed to predict the effect of missense changes on protein structure and function (SIFT, PolyPhen-2, Align-GVGD) all suggest that this variant is likely to be tolerated. In summary, the available evidence is currently insufficient to determine the role of this variant in disease. Therefore, it has been classified as a Variant of Uncertain Significance.

Eurofins Ntd Llc (ga)
Classification: Uncertain significance. Last evaluated: 2016-03-23. Review status: criteria provided, single submitter. Criteria: EGL Classification Definitions 2015. Collection method: clinical testing. Allele origin: germline. Observed: 2 variant alleles, 2 heterozygotes.